The following is an entry in ClinVar:

NM_007294.4(BRCA1):c.982T>C (p.Cys328Arg)

Gene: BRCA1 (BRCA1 DNA repair associated; minus strand). Cytogenetic location: 17q21.31.
Variant type: single nucleotide variant.
Coding change: c.982T>C on transcript NM_007294.4 (MANE Select); coding-DNA position 982, T replaced by C.
Protein change: p.Cys328Arg; replaces cysteine 328 with arginine.
Molecular consequence: missense variant. On other transcripts: intron variant (137).
Genome position (GRCh38, 1-based): chr17:43,094,549, A>G on the plus strand (T>C on the coding strand, the complement: BRCA1 is on the minus strand). VCF-style: chr17-43094549-A-G. GRCh37 (hg19) VCF-style: chr17-41246566-A-G.
Other names: c.718T>C, p.Cys240Arg (NM_001407924.1, NM_001407925.1, NM_001407926.1 and 9 more transcripts); c.859T>C, p.Cys287Arg (NM_001407937.1, NM_001407938.1, NM_001407939.1 and 19 more transcripts); c.856T>C, p.Cys286Arg (NM_001407940.1, NM_001407941.1, NM_001407649.1 and 11 more transcripts); c.841T>C, p.Cys281Arg (NM_001407942.1, NM_001407944.1, NM_001407945.1 and 29 more transcripts); c.838T>C, p.Cys280Arg (NM_001407943.1, NM_001407964.1, NM_001407745.1 and 20 more transcripts); c.646T>C, p.Cys216Arg (NM_001407956.1, NM_001407958.1, NM_001407954.1 and 1 more transcripts); c.649T>C, p.Cys217Arg (NM_001407957.1, NM_001407946.1, NM_001407947.1 and 6 more transcripts); c.601T>C, p.Cys201Arg (NM_001407959.1, NM_001407960.1, NM_001407963.1); and 40 more; short protein forms C328R, C281R, C201R, C240R, C258R, C286R, C287R, C32R.
Identifiers: ClinVar variation 230150 (VCV000230150.26), dbSNP rs748156170, ClinGen allele CA056948.

ClinVar aggregate classification (germline): Conflicting classifications of pathogenicity. Review status: criteria provided, conflicting classifications (1 of 4 stars). 9 submissions from 9 submitters: Uncertain significance (7); Benign (1); Likely benign (1). Last evaluated 2026-02-01.

Conditions:
Hereditary breast ovarian cancer syndrome. Also called: Breast and ovarian cancer; Hereditary breast and ovarian cancer; Hereditary breast and ovarian cancer syndrome; Hereditary breast and/or ovarian cancer syndrome; BRCA1- and BRCA2-Associated Hereditary Breast and Ovarian Cancer; Hereditary breast and ovarian cancer syndrome (HBOC). Identifiers: Orphanet 145, MedGen C0677776, MeSH D061325, MONDO:0003582. Disease mechanism: loss of function.
Pancreatic cancer, susceptibility to, 4. Identifiers: Orphanet 1333, MedGen C3280442, MONDO:0013685, OMIM 614320.
Familial cancer of breast. Also called: BREAST CANCER, FAMILIAL; hereditary breast carcinoma; Hereditary breast cancer. Identifiers: Orphanet 227535, MedGen C0346153, MONDO:0016419, OMIM 114480. Disease mechanism: loss of function.
Breast-ovarian cancer, familial, susceptibility to, 1 (BROVCA1). Also called: BRCA1 Hereditary Breast and Ovarian Cancer; OVARIAN CANCER, SUSCEPTIBILITY TO. Identifiers: Orphanet 145, MedGen C2676676, MONDO:0011450, OMIM 604370. Disease mechanism: loss of function.
Fanconi anemia, complementation group S (FANCS). Identifiers: MedGen C4554406, MONDO:0054748, OMIM 617883.
Hereditary cancer-predisposing syndrome. Also called: Tumor predisposition; Hereditary Cancer Syndrome; Neoplastic Syndromes, Hereditary; Hereditary neoplastic syndrome. Identifiers: Orphanet 140162, MedGen C0027672, MeSH D009386, MONDO:0015356.

Allele frequency attached by ClinVar (database versions not stated): gnomAD exomes 0.00001; ExAC 0.00001; gnomAD 0.00001.
gnomAD v4.1: 6 of 1,613,992 alleles (0.00037%); highest among the groups gnomAD compares: African/African-American, 0.0013%; no homozygotes.

Submissions (9):

Labcorp Genetics (formerly Invitae), Labcorp
Classification: Benign for Hereditary breast ovarian cancer syndrome. Last evaluated: 2026-02-01. Review status: criteria provided, single submitter. Criteria: Invitae Variant Classification Sherloc (09022015). Collection method: clinical testing. Allele origin: germline.

Ambry Genetics
Classification: Uncertain significance for Hereditary cancer-predisposing syndrome. Last evaluated: 2023-12-31. Review status: criteria provided, single submitter. Criteria: Ambry Variant Classification Scheme 2023. Collection method: clinical testing. Allele origin: germline.
Comment: The p.C328R variant (also known as c.982T>C), located in coding exon 9 of the BRCA1 gene, results from a T to C substitution at nucleotide position 982. The cysteine at codon 328 is replaced by arginine, an amino acid with highly dissimilar properties. This alteration was detected in 1/727 pancreatic cancer probands with at least two relatives who were also diagnosed with pancreatic cancer (Zhen DB et al. Genet. Med. 2015 Jul;17:569-77). An in vitro functional study found that this alteration does not significantly affect BRCA1 homology-directed repair activity (Lu C et al. Nat Commun. 2015 Dec;6:10086). This amino acid position is well conserved in available vertebrate species. In addition, the in silico prediction for this alteration is inconclusive. Since supporting evidence is limited at this time, the clinical significance of this alteration remains unclear.

All of Us Research Program, National Institutes of Health
Classification: Uncertain significance for Breast-ovarian cancer, familial, susceptibility to, 1. Last evaluated: 2023-04-27. Review status: criteria provided, single submitter. Criteria: ACMG Guidelines, 2015. Collection method: clinical testing. Allele origin: germline. Inheritance: Autosomal dominant inheritance. Observed: 1 variant allele, 1 heterozygote.
Comment: This study involves interpretation of variants in research participants for the purpose of population health screening. Participant phenotype was not available at the time of variant classification. Additional details can be found in publication PMID: 35346344, PMCID: PMC8962531

University of Washington Department of Laboratory Medicine, University of Washington
Classification: Likely benign for Hereditary cancer-predisposing syndrome. Last evaluated: 2023-03-23. Review status: criteria provided, single submitter. Criteria: Dines et al. (Genet Med. 2020). Collection method: curation. Allele origin: germline.
Comment: Missense variant in a coldspot region where missense variants are very unlikely to be pathogenic (PMID:31911673).

BRCA1 coldspot (exon 11 using historical exon numbering). Reclassification based on statistical prior probability

Fulgent Genetics
Classification: Uncertain significance for Familial cancer of breast; Breast-ovarian cancer, familial, susceptibility to, 1; Pancreatic cancer, susceptibility to, 4; Fanconi anemia, complementation group S. Last evaluated: 2022-03-20. Review status: criteria provided, single submitter. Criteria: ACMG Guidelines, 2015. Collection method: clinical testing. Allele origin: unknown.

GeneDx
Classification: Uncertain significance. Last evaluated: 2021-10-12. Review status: criteria provided, single submitter. Criteria: GeneDx Variant Classification Process June 2021. Collection method: clinical testing. Allele origin: germline. Affected: yes.
Comment: Observed in individuals with pancreatic cancer or lung cancer (Lu 2015, Zhen 2015); Not observed at significant frequency in large population cohorts (Lek 2016); In silico analysis supports that this missense variant has a deleterious effect on protein structure/function; Also known as 1101T>C; This variant is associated with the following publications: (PMID: 25356972, 26689913)

Women's Health and Genetics/Laboratory Corporation of America, LabCorp
Classification: Uncertain significance. Last evaluated: 2021-06-26. Review status: criteria provided, single submitter. Criteria: LabCorp Variant Classification Summary - May 2015. Collection method: clinical testing. Allele origin: germline.
Comment: Variant summary: BRCA1 c.982T>C (p.Cys328Arg) results in a non-conservative amino acid change in the encoded protein sequence. Four of five in-silico tools predict a damaging effect of the variant on protein function. The variant allele was found at a frequency of 8e-06 in 251404 control chromosomes. The available data on variant occurrences in the general population are insufficient to allow any conclusion about variant significance. c.982T>C has been reported in the literature as a VUS in individuals affected with Pancreatic cancer as well as in the TGCA cohort (example, Zhen_2014, Lu_2015, Zhan_2018). These report(s) do not provide unequivocal conclusions about association of the variant with Hereditary Breast And Ovarian Cancer Syndrome. At least one publication reports experimental evidence evaluating an impact on protein function. These results showed no damaging effect of this variant on homology directed repair (HDR) activity (Lu_2015). Four clinical diagnostic laboratories have submitted clinical-significance assessments for this variant to ClinVar after 2014 without evidence for independent evaluation. All laboratories classified the variant as uncertain significance. Based on the evidence outlined above, the variant was classified as VUS-possibly benign.

Quest Diagnostics Nichols Institute San Juan Capistrano
Classification: Uncertain significance. Last evaluated: 2020-11-23. Review status: criteria provided, single submitter. Criteria: Quest Diagnostics criteria. Collection method: clinical testing. Allele origin: unknown.

Color Diagnostics, LLC DBA Color Health
Classification: Uncertain significance for Hereditary cancer-predisposing syndrome. Last evaluated: 2019-03-12. Review status: criteria provided, single submitter. Criteria: ACMG Guidelines, 2015. Collection method: clinical testing. Allele origin: germline.

Literature cited by the submitters: PubMed 25356972 (cited by 3 submitters); PubMed 26689913 (cited by 3 submitters); PubMed 27060149 (cited by Women's Health and Genetics/Laboratory Corporation of America, LabCorp); PubMed 30113427 (cited by Women's Health and Genetics/Laboratory Corporation of America, LabCorp).